The following is an entry in ClinVar:

NM_001794.5(CDH4):c.2634C>G (p.Gly878=)

Gene: CDH4 (cadherin 4; plus strand). Cytogenetic location: 20q13.33.
Variant type: single nucleotide variant.
Coding change: c.2634C>G on transcript NM_001794.5 (MANE Select); coding-DNA position 2634, C replaced by G.
Protein change: p.Gly878=; no amino-acid change (glycine 878 retained).
Molecular consequence: synonymous variant.
Genome position (GRCh38, 1-based): chr20:61,936,826, C>G. VCF-style: chr20-61936826-C-G. GRCh37 (hg19) VCF-style: chr20-60511884-C-G.
Other names: c.2523C>G, p.Gly841= (NM_001252338.2); c.2412C>G, p.Gly804= (NM_001252339.3).
Identifiers: ClinVar variation 3043114 (VCV003043114.2), dbSNP rs145794407, ClinGen allele CA9935226.

ClinVar aggregate classification (germline): Likely benign (0 of 4 stars; one submission).

Conditions:
CDH4-related disorder. Also called: CDH4-related condition.

Allele frequency attached by ClinVar (database versions not stated): gnomAD exomes 0.00015; ExAC 0.00049; 1000 Genomes Project 30x 0.00109; 1000 Genomes Project 0.00140; gnomAD 0.00160; ESP Exome Variant Server 0.00161; TOPMed 0.00203.
gnomAD v4.1: 479 of 1,610,842 alleles (0.03%); highest among the groups gnomAD compares: African/African-American, 0.54%; 1 homozygote.

Submission:

PreventionGenetics, part of Exact Sciences
Classification: Likely benign for CDH4-related condition. Last evaluated: 2019-04-11. Review status: no assertion criteria provided. Collection method: clinical testing. Allele origin: germline.
Comment: This variant is classified as likely benign based on ACMG/AMP sequence variant interpretation guidelines (Richards et al. 2015 PMID: 25741868, with internal and published modifications).